The following is an entry in ClinVar:

ClinVar aggregate classification (germline): Uncertain significance (1 of 4 stars; one submission).

Conditions:
Autosomal dominant nocturnal frontal lobe epilepsy 5. Also called: KCNT1-Related Epilepsy; CILIARY DYSKINESIA, PRIMARY, 28, WITHOUT SITUS INVERSUS; CILIARY DYSKINESIA, PRIMARY, 28, WITH SITUS INVERSUS; Epilepsy, nocturnal frontal lobe, 5. Identifiers: Orphanet 98784, MedGen C3554306, MONDO:0014002, OMIM 615005.
Developmental and epileptic encephalopathy, 14 (DEE14). Also called: Early infantile epileptic encephalopathy 14. Identifiers: Orphanet 293181, MedGen C3554195, MONDO:0013989, OMIM 614959.

Submission:

Labcorp Genetics (formerly Invitae), Labcorp
Classification: Uncertain significance for Autosomal dominant nocturnal frontal lobe epilepsy 5; Developmental and epileptic encephalopathy, 14. Last evaluated: 2020-09-09. Review status: criteria provided, single submitter. Criteria: Invitae Variant Classification Sherloc (09022015). Collection method: clinical testing. Allele origin: germline.
Comment: In summary, the available evidence is currently insufficient to determine the role of this variant in disease. Therefore, it has been classified as a Variant of Uncertain Significance. Advanced modeling of protein sequence and biophysical properties (such as structural, functional, and spatial information, amino acid conservation, physicochemical variation, residue mobility, and thermodynamic stability) performed at Invitae indicates that this missense variant is not expected to disrupt KCNT1 protein function. This variant has not been reported in the literature in individuals with KCNT1-related conditions. The frequency data for this variant in the population databases is considered unreliable, as metrics indicate insufficient coverage at this position in the ExAC database. This sequence change replaces threonine with alanine at codon 699 of the KCNT1 protein (p.Thr699Ala). The threonine residue is moderately conserved and there is a small physicochemical difference between threonine and alanine.

NM_020822.3(KCNT1):c.2095A>G (p.Thr699Ala)

Gene: KCNT1 (potassium sodium-activated channel subfamily T member 1; plus strand). Cytogenetic location: 9q34.3.
Variant type: single nucleotide variant.
Coding change: c.2095A>G on transcript NM_020822.3 (MANE Select); coding-DNA position 2095, A replaced by G.
Protein change: p.Thr699Ala; replaces threonine 699 with alanine.
Molecular consequence: missense variant.
Genome position (GRCh38, 1-based): chr9:135,772,801, A>G. VCF-style: chr9-135772801-A-G. GRCh37 (hg19) VCF-style: chr9-138664647-A-G.
Other names: c.1960A>G, p.Thr654Ala (NM_001272003.2); short protein forms T654A, T699A.
Identifiers: ClinVar variation 1008506 (VCV001008506.9), dbSNP rs1832847354, ClinGen allele CA375510425.